The following is an entry in ClinVar:

ClinVar aggregate classification (germline): Likely pathogenic (1 of 4 stars; one submission).

Conditions:
Chromosome 15q24 deletion syndrome. Identifiers: Orphanet 94065, MedGen C3150674, MONDO:0013256.

Submission:

Genetics Laboratory, UDIAT-Centre Diagnòstic, Hospital Universitari Parc Tauli
Classification: Likely pathogenic for chromosome 15q24 deletion syndrome. Last evaluated: 2023-01-16. Review status: criteria provided, single submitter. Criteria: ACMG Guidelines, 2015. Collection method: clinical testing. Allele origin: unknown. Inheritance: Autosomal dominant inheritance. Affected: yes.
Comment: PVS1_very strong;PM2_supporting

NM_001145358.2(SIN3A):c.2740G>T (p.Glu914Ter)

Gene: SIN3A (SIN3 transcription regulator family member A; minus strand). Cytogenetic location: 15q24.2.
Variant type: single nucleotide variant.
Coding change: c.2740G>T on transcript NM_001145358.2 (MANE Select); coding-DNA position 2740, G replaced by T.
Protein change: p.Glu914Ter; replaces glutamic acid 914 with a stop codon.
Molecular consequence: nonsense.
Genome position (GRCh38, 1-based): chr15:75,392,353, C>A on the plus strand (G>T on the coding strand, the complement: SIN3A is on the minus strand). VCF-style: chr15-75392353-C-A. GRCh37 (hg19) VCF-style: chr15-75684694-C-A.
Other names: c.2740G>T, p.Glu914Ter (NM_001145357.2, NM_015477.3); short protein forms E914*.
Identifiers: ClinVar variation 3897608 (VCV003897608.1).